The following is an entry in ClinVar:

ClinVar aggregate classification (germline): Uncertain significance. Review status: criteria provided, multiple submitters, no conflicts (2 of 4 stars). 2 submissions from 2 submitters: Uncertain significance (2). Last evaluated 2024-12-27.

gnomAD v4.1: 48 of 1,614,078 alleles (0.003%); highest among the groups gnomAD compares: Non-Finnish European, 0.0041%; no homozygotes.

Submissions (2):

Athena Diagnostics
Classification: Uncertain significance. Last evaluated: 2024-12-27. Review status: criteria provided, single submitter. Criteria: Athena Diagnostics Criteria. Collection method: clinical testing. Allele origin: unknown.
Comment: Available data are insufficient to determine the clinical significance of the variant at this time. The frequency of this variant in the general population is uninformative in assessment of its pathogenicity. Polyphen and MutationTaster predict this amino acid change may be benign.

Revvity Omics, Revvity
Classification: Uncertain significance. Last evaluated: 2024-09-25. Review status: criteria provided, single submitter. Criteria: ACMG Guidelines, 2015. Collection method: clinical testing. Allele origin: germline.

NM_182961.4(SYNE1):c.8326C>T (p.Leu2776Phe)

Gene: SYNE1 (spectrin repeat containing nuclear envelope protein 1; minus strand). Cytogenetic location: 6q25.2.
Variant type: single nucleotide variant.
Coding change: c.8326C>T on transcript NM_182961.4 (MANE Select); coding-DNA position 8326, C replaced by T.
Protein change: p.Leu2776Phe; replaces leucine 2776 with phenylalanine.
Molecular consequence: missense variant.
Genome position (GRCh38, 1-based): chr6:152,387,233, G>A on the plus strand (C>T on the coding strand, the complement: SYNE1 is on the minus strand). VCF-style: chr6-152387233-G-A. GRCh37 (hg19) VCF-style: chr6-152708368-G-A.
Other names: c.8326C>T (NM_182961.2); c.8347C>T, p.Leu2783Phe (NM_033071.5); short protein forms L2776F, L2783F.
Identifiers: ClinVar variation 4080437 (VCV004080437.2).
Genomic context (GRCh38, chr6:152,387,233, plus strand): 5'-TCGCAATTAGACGGTGAAGGGCTCTCGTGTGATCTTCTGCCTCAGACAGGATGGACTGGA[G>A]GTGGTCAAGCAGGACGAACTTCTCTTTCAGACCTGGCTGTGGTTGTAAGGGATGTTCTAT-3'
Protein context (NP_892006.3, residues 2766-2786): LKEKFVLLDH[Leu2776Phe]QSILSEAEDH